The following is an entry in ClinVar:

NM_001005373.4(LRSAM1):c.106A>G (p.Ile36Val)

Gene: LRSAM1 (leucine rich repeat and sterile alpha motif containing 1; plus strand). Cytogenetic location: 9q33.3.
Variant type: single nucleotide variant.
Coding change: c.106A>G on transcript NM_001005373.4 (MANE Select); coding-DNA position 106, A replaced by G.
Protein change: p.Ile36Val; replaces isoleucine 36 with valine.
Molecular consequence: missense variant. On other transcripts: 5 prime UTR variant (1), non-coding transcript variant (2).
Genome position (GRCh38, 1-based): chr9:127,455,031, A>G. VCF-style: chr9-127455031-A-G. GRCh37 (hg19) VCF-style: chr9-130217310-A-G.
Other names: c.106A>G (NM_138361.4); c.106A>G, p.Ile36Val (NM_001005374.4, NM_001190723.3, NM_001384142.1 and 2 more transcripts); c.-679A>G (NM_001384144.1); short protein forms I36V.
Identifiers: ClinVar variation 2056787 (VCV002056787.5), dbSNP rs759065503, ClinGen allele CA5246380.
Genomic context (GRCh38, chr9:127,455,031, plus strand): 5'-CTTTTTAAAAATTCTTTTTATCCTTAGGCAAAAGAAGCTGGGGCAGATGACATTCTCGAC[A>G]TCTCTAAATGTGAGCTCTCAGAGGTAAACTGAGGATAGTGTTGGGCTGTGAATTGGATCT-3'
Protein context (NP_001005373.1, residues 26-46): KEAGADDILD[Ile36Val]SKCELSEIPF

ClinVar aggregate classification (germline): Uncertain significance. Review status: criteria provided, multiple submitters, no conflicts (2 of 4 stars). 2 submissions from 2 submitters: Uncertain significance (2). Last evaluated 2025-09-26.

Conditions:
Inborn genetic diseases. Identifiers: MedGen C0950123, MeSH D030342.
Charcot-Marie-Tooth disease axonal type 2P. Also called: CHARCOT-MARIE-TOOTH NEUROPATHY, TYPE 2P; Charcot-Marie-Tooth Neuropathy Type 2G; CHARCOT-MARIE-TOOTH DISEASE, AXONAL, TYPE 2G; CMT 2G. Identifiers: Orphanet 300319, Orphanet 99941, MedGen C3280797, MONDO:0013753, OMIM 614436.

Allele frequency attached by ClinVar (database versions not stated): TOPMed below 0.00001; ExAC 0.00001; gnomAD exomes 0.00002; gnomAD 0.00001.
gnomAD v4.1: 33 of 1,614,036 alleles (0.002%); highest among the groups gnomAD compares: Non-Finnish European, 0.0026%; no homozygotes.

Submissions (2):

Ambry Genetics
Classification: Uncertain significance for Inborn genetic diseases. Last evaluated: 2025-09-26. Review status: criteria provided, single submitter. Criteria: Ambry Variant Classification Scheme 2023. Collection method: clinical testing. Allele origin: germline.

Labcorp Genetics (formerly Invitae), Labcorp
Classification: Uncertain significance for Charcot-Marie-Tooth disease axonal type 2P. Last evaluated: 2024-08-07. Review status: criteria provided, single submitter. Criteria: Invitae Variant Classification Sherloc (09022015). Collection method: clinical testing. Allele origin: germline.
Comment: This sequence change replaces isoleucine, which is neutral and non-polar, with valine, which is neutral and non-polar, at codon 36 of the LRSAM1 protein (p.Ile36Val). This variant is present in population databases (rs759065503, gnomAD 0.004%). This variant has not been reported in the literature in individuals affected with LRSAM1-related conditions. ClinVar contains an entry for this variant (Variation ID: 2056787). Advanced modeling of protein sequence and biophysical properties (such as structural, functional, and spatial information, amino acid conservation, physicochemical variation, residue mobility, and thermodynamic stability) performed at Invitae indicates that this missense variant is not expected to disrupt LRSAM1 protein function with a negative predictive value of 80%. In summary, the available evidence is currently insufficient to determine the role of this variant in disease. Therefore, it has been classified as a Variant of Uncertain Significance.